The following is an entry in ClinVar:

NM_001040716.2(PC):c.3212C>G (p.Ala1071Gly)

Gene: PC (pyruvate carboxylase; minus strand). Cytogenetic location: 11q13.2.
Variant type: single nucleotide variant.
Coding change: c.3212C>G on transcript NM_001040716.2 (MANE Select); coding-DNA position 3212, C replaced by G.
Protein change: p.Ala1071Gly; replaces alanine 1071 with glycine.
Molecular consequence: missense variant.
Genome position (GRCh38, 1-based): chr11:66,849,306, G>C on the plus strand (C>G on the coding strand, the complement: PC is on the minus strand). VCF-style: chr11-66849306-G-C. GRCh37 (hg19) VCF-style: chr11-66616777-G-C.
Other names: c.3212C>G (NM_001040716.1); c.3212C>G, p.Ala1071Gly (NM_000920.4, NM_022172.3); short protein forms A1071G.
Identifiers: ClinVar variation 791738 (VCV000791738.14), dbSNP rs149583113, ClinGen allele CA6130857.

ClinVar aggregate classification (germline): Likely benign. Review status: criteria provided, multiple submitters, no conflicts (2 of 4 stars). 3 submissions from 3 submitters: Likely benign (2). 1 of the submissions does not count toward it. Last evaluated 2026-01-26.

Conditions:
Pyruvate carboxylase deficiency. Also called: Pyruvate Carboxylase Deficiency Disease; LEIGH NECROTIZING ENCEPHALOPATHY DUE TO PYRUVATE CARBOXYLASE DEFICIENCY; LEIGH SYNDROME DUE TO PYRUVATE CARBOXYLASE DEFICIENCY; PC DEFICIENCY; ATAXIA WITH LACTIC ACIDOSIS II. Identifiers: Orphanet 3008, MedGen C0034341, MONDO:0009949, OMIM 266150.
PC-related disorder. Also called: PC-related condition.

Allele frequency attached by ClinVar (database versions not stated): 1000 Genomes Project 30x 0.00031; 1000 Genomes Project 0.00040; ESP Exome Variant Server 0.00054; TOPMed 0.00059.

Submissions (3):

Labcorp Genetics (formerly Invitae), Labcorp
Classification: Likely benign for Pyruvate carboxylase deficiency. Last evaluated: 2026-01-26. Review status: criteria provided, single submitter. Criteria: Invitae Variant Classification Sherloc (09022015). Collection method: clinical testing. Allele origin: germline.

Breakthrough Genomics
Classification: Likely benign. Review status: criteria provided, single submitter. Criteria: ACMG Guidelines, 2015. Collection method: not provided. Allele origin: germline. Inheritance: Autosomal recessive inheritance. Affected: yes.

PreventionGenetics, part of Exact Sciences
Classification: Likely benign for PC-related condition. Last evaluated: 2023-06-23. Review status: no assertion criteria provided. Collection method: clinical testing. Allele origin: germline. Not counted in ClinVar's aggregate classification.
Comment: This variant is classified as likely benign based on ACMG/AMP sequence variant interpretation guidelines (Richards et al. 2015 PMID: 25741868, with internal and published modifications).